The following is an entry in ClinVar:

ClinVar aggregate classification (germline): Uncertain significance (1 of 4 stars; one submission).

Submission:

Labcorp Genetics (formerly Invitae), Labcorp
Classification: Uncertain significance. Last evaluated: 2021-05-30. Review status: criteria provided, single submitter. Criteria: Invitae Variant Classification Sherloc (09022015). Collection method: clinical testing. Allele origin: germline.
Comment: This variant is not present in population databases (ExAC no frequency). In summary, the available evidence is currently insufficient to determine the role of this variant in disease. Therefore, it has been classified as a Variant of Uncertain Significance. Algorithms developed to predict the effect of missense changes on protein structure and function are either unavailable or do not agree on the potential impact of this missense change (SIFT: "Deleterious"; PolyPhen-2: "Probably Damaging"; Align-GVGD: "Class C0"). This variant has not been reported in the literature in individuals with ZNF292-related conditions. This sequence change replaces valine with glycine at codon 1980 of the ZNF292 protein (p.Val1980Gly). The valine residue is moderately conserved and there is a moderate physicochemical difference between valine and glycine.

NM_015021.3(ZNF292):c.5939T>G (p.Val1980Gly)

Gene: ZNF292 (zinc finger protein 292; plus strand). Cytogenetic location: 6q14.3.
Variant type: single nucleotide variant.
Coding change: c.5939T>G on transcript NM_015021.3 (MANE Select); coding-DNA position 5939, T replaced by G.
Protein change: p.Val1980Gly; replaces valine 1980 with glycine.
Molecular consequence: missense variant.
Genome position (GRCh38, 1-based): chr6:87,259,568, T>G. VCF-style: chr6-87259568-T-G. GRCh37 (hg19) VCF-style: chr6-87969286-T-G.
Other names: c.5519T>G, p.Val1840Gly (NM_001351444.2); short protein forms V1980G, V1840G.
Identifiers: ClinVar variation 1509194 (VCV001509194.6), dbSNP rs2127870871, ClinGen allele CA364935172.